The following is an entry in ClinVar:

NM_001110556.2(FLNA):c.7333+16C>T

Gene: FLNA (filamin A; minus strand). Cytogenetic location: Xq28.
Variant type: single nucleotide variant.
Coding change: c.7333+16C>T on transcript NM_001110556.2 (MANE Select); 16 bases into the intron after coding-DNA position 7333, C replaced by T.
Molecular consequence: intron variant.
Genome position (GRCh38, 1-based): chrX:154,350,015, G>A on the plus strand (C>T on the coding strand, the complement: FLNA is on the minus strand). VCF-style: chrX-154350015-G-A. GRCh37 (hg19) VCF-style: chrX-153578383-G-A.
Other names: c.7309+16C>T (NM_001456.4).
Identifiers: ClinVar variation 510513 (VCV000510513.12), dbSNP rs782052260, ClinGen allele CA10559920.
Genomic context (GRCh38, chrX:154,350,015, plus strand): 5'-TCCTGTTGTCACCAAGAGCTTGGAGGCAAGGGCCTAGCAGCTGTGTGCACACGTGCAGCC[G>A]CACCGACAGACTTACCTGTGACACCGCCTTCCAGACCTGCTCCGTAAGCAGACACCAAGC-3'

ClinVar aggregate classification (germline): Likely benign. Review status: criteria provided, multiple submitters, no conflicts (2 of 4 stars). 4 submissions from 4 submitters: Likely benign (4). Last evaluated 2026-02-04.

Conditions:
Heterotopia, periventricular, X-linked dominant (PVNH1). Also called: PERIVENTRICULAR NODULAR HETEROTOPIA 1; X-linked periventricular heterotopia; PERIVENTRICULAR NODULAR HETEROTOPIA 4; HETEROTOPIA, PERIVENTRICULAR, 1. Identifiers: Orphanet 2149, Orphanet 82004, MedGen C1848213, MONDO:0010233, OMIM 300049.
Melnick-Needles syndrome (MNS). Also called: OSTEODYSPLASTY OF MELNICK AND NEEDLES; Melnick-Needles Syndrome (FLNA-MNS); MELNICK-NEEDLES OSTEODYSPLASTY. Identifiers: Orphanet 2484, MedGen C0025237, MONDO:0010650, OMIM 309350.
Oto-palato-digital syndrome, type II (OPD2). Also called: OPD II SYNDROME; Otopalatodigital Syndrome, Type II; FACIOPALATOOSSEOUS SYNDROME; Otopalatodigital Syndrome Type 2 (FLNA-OPD2). Identifiers: Orphanet 669, Orphanet 90652, MedGen C1844696, MONDO:0010571, OMIM 304120.
Frontometaphyseal dysplasia (FMD1). Identifiers: Orphanet 1826, MedGen C0265293, MONDO:0015942.

Allele frequency attached by ClinVar (database versions not stated): TOPMed 0.00003; gnomAD 0.00007 and 0.00009; gnomAD exomes 0.00008 and 0.00011; ExAC 0.00010; 1000 Genomes Project 0.00053; 1000 Genomes Project 30x 0.00062.

Submissions (4):

Labcorp Genetics (formerly Invitae), Labcorp
Classification: Likely benign for Oto-palato-digital syndrome, type II; Heterotopia, periventricular, X-linked dominant; Frontometaphyseal dysplasia; Melnick-Needles syndrome. Last evaluated: 2026-02-04. Review status: criteria provided, single submitter. Criteria: Invitae Variant Classification Sherloc (09022015). Collection method: clinical testing. Allele origin: germline.

ARUP Laboratories, Molecular Genetics and Genomics, ARUP Laboratories
Classification: Likely benign. Last evaluated: 2024-02-15. Review status: criteria provided, single submitter. Criteria: ARUP Molecular Germline Variant Investigation Process 2024. Collection method: clinical testing. Allele origin: germline.

Blueprint Genetics
Classification: Likely benign. Last evaluated: 2023-08-11. Review status: criteria provided, single submitter. Criteria: ACMG Guidelines, 2015. Collection method: clinical testing. Allele origin: germline.

GeneDx
Classification: Likely benign. Last evaluated: 2017-07-05. Review status: criteria provided, single submitter. Criteria: GeneDx Variant Classification (06012015). Collection method: clinical testing. Allele origin: germline. Affected: yes.
Comment: This variant is considered likely benign or benign based on one or more of the following criteria: it is a conservative change, it occurs at a poorly conserved position in the protein, it is predicted to be benign by multiple in silico algorithms, and/or has population frequency not consistent with disease.